The following is an entry in ClinVar:

NM_002185.5(IL7R):c.877-1G>A

Gene: IL7R (interleukin 7 receptor; plus strand). Cytogenetic location: 5p13.2.
Variant type: single nucleotide variant.
Coding change: c.877-1G>A on transcript NM_002185.5 (MANE Select); the canonical splice acceptor site of the intron before coding-DNA position 877, G replaced by A.
Molecular consequence: splice acceptor variant.
Genome position (GRCh38, 1-based): chr5:35,875,982, G>A. VCF-style: chr5-35875982-G-A. GRCh37 (hg19) VCF-style: chr5-35876084-G-A.
Other names: c.783-1G>A (NM_001410734.1).
Identifiers: ClinVar variation 851735 (VCV000851735.8), dbSNP rs1760195478, ClinGen allele CA359432233.

ClinVar aggregate classification (germline): Uncertain significance (1 of 4 stars; one submission).

Conditions:
Immunodeficiency 104. Also called: IMMUNODEFICIENCY 104, SEVERE COMBINED; SCID, AUTOSOMAL RECESSIVE, T CELL-NEGATIVE, B CELL-POSITIVE, NK CELL-POSITIVE; Severe Combined Immune Deficiency, Autosomal Recessive, TCell -Negative, B Cell-Positive, NK Cell-Positive, IL7R-Related; Severe combined immunodeficiency, autosomal recessive, T cell-negative, B cell-positive, NK cell-positive. Identifiers: MedGen C5676890, MONDO:0012163, OMIM 608971.

Submission:

Labcorp Genetics (formerly Invitae), Labcorp
Classification: Uncertain significance for Immunodeficiency 104. Last evaluated: 2022-08-16. Review status: criteria provided, single submitter. Criteria: Invitae Variant Classification Sherloc (09022015). Collection method: clinical testing. Allele origin: germline.
Comment: This sequence change affects an acceptor splice site in intron 7 of the IL7R gene. While this variant is not anticipated to result in nonsense mediated decay, it likely alters RNA splicing and results in a disrupted protein product. This variant is not present in population databases (gnomAD no frequency). This variant has not been reported in the literature in individuals affected with IL7R-related conditions. ClinVar contains an entry for this variant (Variation ID: 851735). Variants that disrupt the consensus splice site are a relatively common cause of aberrant splicing (PMID: 17576681, 9536098). Algorithms developed to predict the effect of sequence changes on RNA splicing suggest that this variant may disrupt the consensus splice site. In summary, the available evidence is currently insufficient to determine the role of this variant in disease. Therefore, it has been classified as a Variant of Uncertain Significance.

Literature cited by the submitters: PubMed 17576681; PubMed 9536098.